The following is an entry in ClinVar:

NM_001385012.1(NBEA):c.1808C>T (p.Ala603Val)

Gene: NBEA (neurobeachin; plus strand). Cytogenetic location: 13q13.3.
Variant type: single nucleotide variant.
Coding change: c.1808C>T on transcript NM_001385012.1 (MANE Select); coding-DNA position 1808, C replaced by T.
Protein change: p.Ala603Val; replaces alanine 603 with valine.
Molecular consequence: missense variant.
Genome position (GRCh38, 1-based): chr13:35,109,417, C>T. VCF-style: chr13-35109417-C-T. GRCh37 (hg19) VCF-style: chr13-35683554-C-T.
Other names: c.1808C>T, p.Ala603Val (NM_001379245.1, NM_015678.5); short protein forms A603V.
Identifiers: ClinVar variation 1801871 (VCV001801871.4), dbSNP rs2503043108, ClinGen allele CA387830900.
Genomic context (GRCh38, chr13:35,109,417, plus strand): 5'-GTTTATCTCATGGAGCACCTTTGCTGAAGCAGCTTTGTGATCACATTTTATTTAACCCAG[C>T]CATCTGGATACATACACCTGCAAAGGTATGAATTTTATACTTATTCAGTTTGATTTAGTG-3'
Protein context (NP_001371941.1, residues 593-613): QLCDHILFNP[Ala603Val]IWIHTPAKVQ

ClinVar aggregate classification (germline): Uncertain significance. Review status: criteria provided, multiple submitters, no conflicts (2 of 4 stars). 2 submissions from 2 submitters: Uncertain significance (2). Last evaluated 2022-06-03.

Conditions:
Neurodevelopmental disorder with or without early-onset generalized epilepsy. Identifiers: MedGen C5436914, MONDO:0030930, OMIM 619157.

Submissions (2):

GeneDx
Classification: Uncertain significance. Last evaluated: 2022-06-03. Review status: criteria provided, single submitter. Criteria: GeneDx Variant Classification Process June 2021. Collection method: clinical testing. Allele origin: germline. Affected: yes.
Comment: Not observed at significant frequency in large population cohorts (gnomAD); In silico analysis supports that this missense variant has a deleterious effect on protein structure/function; Has not been previously published as pathogenic or benign to our knowledge

Revvity Omics, Revvity
Classification: Uncertain significance for Neurodevelopmental disorder with or without early-onset generalized epilepsy. Last evaluated: 2022-05-09. Review status: criteria provided, single submitter. Criteria: ACMG Guidelines, 2015. Collection method: clinical testing. Allele origin: germline.